The following is an entry in ClinVar:

ClinVar aggregate classification (germline): Uncertain significance. Review status: criteria provided, multiple submitters, no conflicts (2 of 4 stars). 2 submissions from 2 submitters: Uncertain significance (2). Last evaluated 2025-08-26.

Conditions:
Inborn genetic diseases. Identifiers: MedGen C0950123, MeSH D030342.

Allele frequency attached by ClinVar (database versions not stated): gnomAD 0.00003; TOPMed 0.00003; ExAC 0.00005; gnomAD exomes 0.00005 and 0.00006; ESP Exome Variant Server 0.00008.
gnomAD v4.1: 93 of 1,605,692 alleles (0.0058%); highest among the groups gnomAD compares: Non-Finnish European, 0.0071%; no homozygotes.

Submissions (2):

Ambry Genetics
Classification: Uncertain significance for Inborn genetic diseases. Last evaluated: 2025-08-26. Review status: criteria provided, single submitter. Criteria: Ambry Variant Classification Scheme 2023. Collection method: clinical testing. Allele origin: germline.

Labcorp Genetics (formerly Invitae), Labcorp
Classification: Uncertain significance. Last evaluated: 2023-06-20. Review status: criteria provided, single submitter. Criteria: Invitae Variant Classification Sherloc (09022015). Collection method: clinical testing. Allele origin: germline.
Comment: This variant is present in population databases (rs373260391, gnomAD 0.007%). In summary, the available evidence is currently insufficient to determine the role of this variant in disease. Therefore, it has been classified as a Variant of Uncertain Significance. Algorithms developed to predict the effect of missense changes on protein structure and function output the following: SIFT: "Not Available"; PolyPhen-2: "Benign"; Align-GVGD: "Not Available". The threonine amino acid residue is found in multiple mammalian species, which suggests that this missense change does not adversely affect protein function. ClinVar contains an entry for this variant (Variation ID: 1368528). This variant has not been reported in the literature in individuals affected with GPR179-related conditions. This sequence change replaces alanine, which is neutral and non-polar, with threonine, which is neutral and polar, at codon 888 of the GPR179 protein (p.Ala888Thr).

NM_001004334.4(GPR179):c.2662G>A (p.Ala888Thr)

Gene: GPR179 (G protein-coupled receptor 179; minus strand). Cytogenetic location: 17q12.
Variant type: single nucleotide variant.
Coding change: c.2662G>A on transcript NM_001004334.4 (MANE Select); coding-DNA position 2662, G replaced by A.
Protein change: p.Ala888Thr; replaces alanine 888 with threonine.
Molecular consequence: missense variant.
Genome position (GRCh38, 1-based): chr17:38,330,907, C>T on the plus strand (G>A on the coding strand, the complement: GPR179 is on the minus strand). VCF-style: chr17-38330907-C-T. GRCh37 (hg19) VCF-style: chr17-36486790-C-T.
Other names: c.2662G>A (NM_001004334.2); short protein forms A888T.
Identifiers: ClinVar variation 1368528 (VCV001368528.6), dbSNP rs373260391, ClinGen allele CA290105640.